The following is an entry in ClinVar:

ClinVar aggregate classification (germline): Uncertain significance (1 of 4 stars; one submission).

Conditions:
Hereditary cancer-predisposing syndrome. Also called: Neoplastic Syndromes, Hereditary; Tumor predisposition; Hereditary neoplastic syndrome; Hereditary Cancer Syndrome. Identifiers: Orphanet 140162, MedGen C0027672, MeSH D009386, MONDO:0015356.

Submission:

Ambry Genetics
Classification: Uncertain significance for Hereditary cancer-predisposing syndrome. Last evaluated: 2026-07-06. Review status: criteria provided, single submitter. Criteria: Ambry Variant Classification Scheme 2023. Collection method: clinical testing. Allele origin: germline.
Comment: The p.A295T variant (also known as c.883G>A), located in coding exon 5 of the PDGFRA gene, results from a G to A substitution at nucleotide position 883. The alanine at codon 295 is replaced by threonine, an amino acid with similar properties. This amino acid position is conserved. In addition, this alteration is predicted to be tolerated by in silico analysis. Based on the available evidence, the clinical significance of this variant remains unclear.

NM_006206.6(PDGFRA):c.883G>A (p.Ala295Thr)

Gene: PDGFRA (platelet derived growth factor receptor alpha; plus strand). Cytogenetic location: 4q12.
Variant type: single nucleotide variant.
Coding change: c.883G>A on transcript NM_006206.6 (MANE Select); coding-DNA position 883, G replaced by A.
Protein change: p.Ala295Thr; replaces alanine 295 with threonine.
Molecular consequence: missense variant.
Genome position (GRCh38, 1-based): chr4:54,267,412, G>A. VCF-style: chr4-54267412-G-A. GRCh37 (hg19) VCF-style: chr4-55133579-G-A.
Other names: c.883G>A, p.Ala295Thr (NM_001347827.2, NM_001347829.2); c.958G>A, p.Ala320Thr (NM_001347828.2); c.922G>A, p.Ala308Thr (NM_001347830.2); short protein forms A295T, A320T, A308T.
Identifiers: ClinVar variation 5026414 (VCV005026414.1).
Genomic context (GRCh38, chr4:54,267,412, plus strand): 5'-TTGACGGTCCCCGAGGCCACGGTGAAAGACAGTGGAGATTACGAATGTGCTGCCCGCCAG[G>A]CTACCAGGGAGGTCAAAGAAATGAAGAAAGTCACTATTTCTGTCCATGGTACATTCCGCT-3'
Protein context (NP_006197.1, residues 285-305): SGDYECAARQ[Ala295Thr]TREVKEMKKV